The following is an entry in ClinVar:

NM_002103.5(GYS1):c.1324C>G (p.Pro442Ala)

Gene: GYS1 (glycogen synthase 1; minus strand). Cytogenetic location: 19q13.33.
Variant type: single nucleotide variant.
Coding change: c.1324C>G on transcript NM_002103.5 (MANE Select); coding-DNA position 1324, C replaced by G.
Protein change: p.Pro442Ala; replaces proline 442 with alanine.
Molecular consequence: missense variant. On other transcripts: non-coding transcript variant (1).
Genome position (GRCh38, 1-based): chr19:48,974,718, G>C on the plus strand (C>G on the coding strand, the complement: GYS1 is on the minus strand). VCF-style: chr19-48974718-G-C. GRCh37 (hg19) VCF-style: chr19-49477975-G-C.
Other names: c.1132C>G, p.Pro378Ala (NM_001161587.2); short protein forms P442A, P378A.
Identifiers: ClinVar variation 498167 (VCV000498167.14), dbSNP rs142951866, ClinGen allele CA9562979.

ClinVar aggregate classification (germline): Uncertain significance. Review status: criteria provided, multiple submitters, no conflicts (2 of 4 stars). 4 submissions from 4 submitters: Uncertain significance (4). Last evaluated 2025-01-19.

Conditions:
Glycogen storage disease due to muscle and heart glycogen synthase deficiency. Also called: GSD 0b; MUSCLE GLYCOGEN SYNTHASE DEFICIENCY. Identifiers: Orphanet 137625, MedGen C1969054, MONDO:0012693, OMIM 611556.

Allele frequency attached by ClinVar (database versions not stated): TOPMed 0.00046; gnomAD 0.00054; ESP Exome Variant Server 0.00069; 1000 Genomes Project 30x 0.00094; 1000 Genomes Project 0.00100.
gnomAD v4.1: 372 of 1,612,934 alleles (0.023%); highest among the groups gnomAD compares: African/African-American, 0.11%; 1 homozygote.

Submissions (4):

Labcorp Genetics (formerly Invitae), Labcorp
Classification: Uncertain significance for Glycogen storage disease due to muscle and heart glycogen synthase deficiency. Last evaluated: 2025-01-19. Review status: criteria provided, single submitter. Criteria: Invitae Variant Classification Sherloc (09022015). Collection method: clinical testing. Allele origin: germline.
Comment: This sequence change replaces proline, which is neutral and non-polar, with alanine, which is neutral and non-polar, at codon 442 of the GYS1 protein (p.Pro442Ala). This variant is present in population databases (rs142951866, gnomAD 0.1%). This variant has not been reported in the literature in individuals affected with GYS1-related conditions. ClinVar contains an entry for this variant (Variation ID: 498167). Invitae Evidence Modeling of protein sequence and biophysical properties (such as structural, functional, and spatial information, amino acid conservation, physicochemical variation, residue mobility, and thermodynamic stability) indicates that this missense variant is not expected to disrupt GYS1 protein function with a negative predictive value of 80%. In summary, the available evidence is currently insufficient to determine the role of this variant in disease. Therefore, it has been classified as a Variant of Uncertain Significance.

GeneDx
Classification: Uncertain significance. Last evaluated: 2024-12-05. Review status: criteria provided, single submitter. Criteria: GeneDx Variant Classification Process June 2021. Collection method: clinical testing. Allele origin: germline.
Comment: Published functional studies suggest that the P442A variant significantly decreases capability to synthesize glycogen; however, further studies are needed to determine if this reduction is sufficient to cause symptoms (PMID: 10102713); In silico analysis supports that this missense variant has a deleterious effect on protein structure/function; This variant is associated with the following publications: (PMID: 16306363, 12870167, 10874034, 9267990, 28701297, 10102713)

Eurofins Ntd Llc (ga)
Classification: Uncertain significance. Last evaluated: 2016-10-28. Review status: criteria provided, single submitter. Criteria: EGL Classification Definitions 2015. Collection method: clinical testing. Allele origin: germline. Observed: 1 variant allele, 1 heterozygote.

Breakthrough Genomics
Classification: Uncertain significance. Review status: criteria provided, single submitter. Criteria: ACMG Guidelines, 2015. Collection method: not provided. Allele origin: germline. Inheritance: Autosomal dominant inheritance. Affected: yes.